The following is an entry in ClinVar:

NM_000891.3(KCNJ2):c.256G>T (p.Val86Phe)

Gene: KCNJ2 (potassium inwardly rectifying channel subfamily J member 2; plus strand). Cytogenetic location: 17q24.3.
Variant type: single nucleotide variant.
Coding change: c.256G>T on transcript NM_000891.3 (MANE Select); coding-DNA position 256, G replaced by T.
Protein change: p.Val86Phe; replaces valine 86 with phenylalanine.
Molecular consequence: missense variant.
Genome position (GRCh38, 1-based): chr17:70,175,295, G>T. VCF-style: chr17-70175295-G-T. GRCh37 (hg19) VCF-style: chr17-68171436-G-T.
Other names: p.V86F:GTT>TTT; short protein forms V86F.
Identifiers: ClinVar variation 190810 (VCV000190810.4), dbSNP rs786205814, ClinGen allele CA302029.

ClinVar aggregate classification (germline): Uncertain significance. Review status: criteria provided, multiple submitters, no conflicts (2 of 4 stars). 2 submissions from 2 submitters: Uncertain significance (2). Last evaluated 2024-11-11.

Conditions:
Andersen Tawil syndrome (LQT7). Also called: PERIODIC PARALYSIS, POTASSIUM-SENSITIVE CARDIODYSRHYTHMIC TYPE; LONG QT SYNDROME 7; ANDERSEN CARDIODYSRHYTHMIC PERIODIC PARALYSIS; Andersen Syndrome; Potassium-sensitive periodic paralysis, ventricular ectopy, and dysmorphic features. Identifiers: Orphanet 37553, MedGen C1563715, MONDO:0008222, OMIM 170390.
Short QT syndrome type 3. Identifiers: Orphanet 51083, MedGen C1865018, MONDO:0012314, OMIM 609622.

Allele frequency attached by ClinVar (database versions not stated): TOPMed 0.00001.

Submissions (2):

Labcorp Genetics (formerly Invitae), Labcorp
Classification: Uncertain significance for Short QT syndrome type 3; Andersen Tawil syndrome. Last evaluated: 2024-11-11. Review status: criteria provided, single submitter. Criteria: Invitae Variant Classification Sherloc (09022015). Collection method: clinical testing. Allele origin: germline.
Comment: This sequence change replaces valine, which is neutral and non-polar, with phenylalanine, which is neutral and non-polar, at codon 86 of the KCNJ2 protein (p.Val86Phe). This variant is not present in population databases (gnomAD no frequency). This variant has not been reported in the literature in individuals affected with KCNJ2-related conditions. ClinVar contains an entry for this variant (Variation ID: 190810). Invitae Evidence Modeling of protein sequence and biophysical properties (such as structural, functional, and spatial information, amino acid conservation, physicochemical variation, residue mobility, and thermodynamic stability) indicates that this missense variant is not expected to disrupt KCNJ2 protein function with a negative predictive value of 95%. In summary, the available evidence is currently insufficient to determine the role of this variant in disease. Therefore, it has been classified as a Variant of Uncertain Significance.

GeneDx
Classification: Uncertain significance. Last evaluated: 2013-01-31. Review status: criteria provided, single submitter. Criteria: GeneDx Variant Classification (06012015). Collection method: clinical testing. Allele origin: germline. Affected: yes.
Comment: p.Val86Phe (GTT>TTT): c.256 G>T in exon 2 of the KCNJ2 gene (NM_000891.2). The Val86Phe variant in the KCNJ2 gene has not been reported as a disease-causing mutation or as a benign polymorphism to our knowledge. Val86Phe results in a semi-conservative amino acid substitution of a non-polar Valine with a larger, non-polar Phenylalanine at a position that is class conserved across species. Mutations in nearby codons (Arg80Cys, Arg82Trp, Cys101Arg) have been reported in association with ATS or arrhythmia, supporting the functional importance of this region of the protein. The Val86Phe variant was not observed in approximately 6,500 individuals of European and African American ancestry in the NHLBI Exome Sequencing Project, indicating it is not a common benign variant in these populations. Nevertheless, in silico analysis predicts Val86Phe is benign to the protein structure/function.With the clinical and molecular information available at this time, we cannot definitively determine if Val86Phe is a disease-causing mutation or a rare benign variant. The variant is found in LQT panel(s).